The following is an entry in ClinVar:

NC_000016.9:g.(?_89824975)_(89831484_?)del

Gene: FANCA (FA complementation group A; minus strand). Cytogenetic location: 16q24.3.
Variant type: Deletion.
Identifiers: ClinVar variation 3243260 (VCV003243260.1).

ClinVar aggregate classification (germline): Pathogenic (1 of 4 stars; one submission).

Conditions:
Fanconi anemia (FA). Also called: Fanconi's anemia. Identifiers: Orphanet 84, MedGen C0015625, MeSH D005199, MONDO:0019391.

Submission:

Labcorp Genetics (formerly Invitae), Labcorp
Classification: Pathogenic for Fanconi anemia. Last evaluated: 2023-12-18. Review status: criteria provided, single submitter. Criteria: Invitae Variant Classification Sherloc (09022015). Collection method: clinical testing. Allele origin: unknown.
Comment: This variant is a gross deletion of the genomic region encompassing exon(s) 28-30 of the FANCA gene. This deletion is out-of-frame, and is expected to create a premature termination codon and result in an absent or disrupted protein product. Loss-of-function variants in FANCA are known to be pathogenic (PMID: 19367192). A similar copy number variant has been observed in individual(s) with Fanconi anemia (PMID: 29098742). For these reasons, this variant has been classified as Pathogenic.

Literature cited by the submitters: PubMed 19367192; PubMed 29098742.